The following is an entry in ClinVar:

ClinVar aggregate classification (germline): Pathogenic. Review status: criteria provided, single submitter (1 of 4 stars). 2 submissions from 2 submitters: Pathogenic (1). 1 of the submissions does not count toward it. Last evaluated 2013-05-13.

Conditions:
Retinal dystrophy. Also called: Inherited retinal dystrophy. Identifiers: Orphanet 71862, MedGen C0854723, MeSH D058499, MONDO:0019118, HP:0000556.
Rare genetic deafness. Identifiers: Orphanet 96210, MedGen C5680250.

Submissions (2):

Laboratory for Molecular Medicine, Mass General Brigham Personalized Medicine
Classification: Pathogenic for Rare genetic deafness. Last evaluated: 2013-05-13. Review status: criteria provided, single submitter. Criteria: LMM Criteria. Collection method: clinical testing. Allele origin: germline. Observed: 1 variant allele.
Comment: The Tyr1188X variant in MYO7A has not been reported in individuals with hearing loss or in large population databases. This variant is predicted to result in a premature termination codon at position 1188, which would lead to a truncated or absent protein. In summary, this variant meets our criteria to be classified a s pathogenic.

Institute of Human Genetics, Univ. Regensburg, Univ. Regensburg
Classification: Pathogenic for Retinal dystrophy. Last evaluated: 2021-01-01. Review status: no assertion criteria provided. Criteria: ACMG Guidelines, 2015. Collection method: clinical testing. Allele origin: germline. Affected: yes. Not counted in ClinVar's aggregate classification.

NM_000260.4(MYO7A):c.3564_3571delinsA (p.Tyr1188_Gly1191delinsTer)

Gene: MYO7A (myosin VIIA; plus strand). Cytogenetic location: 11q13.5.
Variant type: Indel.
Coding change: c.3564_3571delinsA on transcript NM_000260.4 (MANE Select); coding-DNA positions 3564 to 3571, TGCCCGGG replaced by A.
Protein change: p.Tyr1188_Gly1191delinsTer.
Molecular consequence: nonsense.
Genome position (GRCh38, 1-based): chr11:77,189,404-77,189,411, TGCCCGGG replaced by A. VCF-style: chr11-77189404-TGCCCGGG-A. GRCh37 (hg19) VCF-style: chr11-76900449-TGCCCGGG-A.
Other names: c.3564_3571delinsA, p.Tyr1188_Gly1191delinsTer (NM_001127180.2); c.3531_3538delinsA, p.Tyr1177_Gly1180delinsTer (NM_001369365.1).
Identifiers: ClinVar variation 179061 (VCV000179061.32), dbSNP rs797044513, ClinGen allele CA278742.
Genomic context (GRCh38, chr11:77,189,404, plus strand): 5'-GGACGAGATCTACTGCCAGATCAGCAAGCAGCTGACCCACAACCCCTCCAAGAGCAGCTA[TGCCCGGG>A]GCTGGATTCTCGTGTCTCTCTGCGTGGGCTGTTTCGCCCCCTCCGAGAAGTTTGTCAAGG-3'